The following is an entry in ClinVar:

NM_002282.3(KRT83):c.1041+5_1041+6inv

Gene: KRT83 (keratin 83; minus strand). Cytogenetic location: 12q13.13.
Variant type: Inversion.
Coding change: c.1041+5_1041+6inv on transcript NM_002282.3 (MANE Select).
Molecular consequence: intron variant.
Genome position: GRCh38 VCF-style: chr12-52316462-TG-CA. GRCh37 (hg19) VCF-style: chr12-52710246-TG-CA.
Identifiers: ClinVar variation 2906747 (VCV002906747.3), ClinGen allele CA2739272051.

ClinVar aggregate classification (germline): Uncertain significance (1 of 4 stars; one submission).

Submission:

Labcorp Genetics (formerly Invitae), Labcorp
Classification: Uncertain significance. Last evaluated: 2023-09-05. Review status: criteria provided, single submitter. Criteria: Invitae Variant Classification Sherloc (09022015). Collection method: clinical testing. Allele origin: germline.
Comment: Variants that disrupt the consensus splice site are a relatively common cause of aberrant splicing (PMID: 17576681, 9536098). Experimental studies and prediction algorithms are not available or were not evaluated, and the effect of this variant on mRNA splicing is currently unknown. In summary, the available evidence is currently insufficient to determine the role of this variant in disease. Therefore, it has been classified as a Variant of Uncertain Significance. This variant has not been reported in the literature in individuals affected with KRT83-related conditions. Information on the frequency of this variant in the gnomAD database is not available, as this variant may be reported differently in the database. This sequence change falls in intron 6 of the KRT83 gene. It does not directly change the encoded amino acid sequence of the KRT83 protein. It affects a nucleotide within the consensus splice site.

Literature cited by the submitters: PubMed 17576681; PubMed 9536098.